The following is an entry in ClinVar:

NM_005732.4(RAD50):c.1999del (p.Ser667fs)

Gene: RAD50 (RAD50 double strand break repair protein; plus strand). Cytogenetic location: 5q31.1.
Variant type: Deletion.
Coding change: c.1999del on transcript NM_005732.4 (MANE Select); coding-DNA position 1999, one base deleted (T; older notation c.1999delT).
Protein change: p.Ser667fs; shifts the reading frame from serine 667.
Molecular consequence: frameshift variant.
Genome position (GRCh38, 1-based): chr5:132,595,602, T deleted. VCF-style (leftmost placement, unchanged base first): chr5-132595601-CT-C. GRCh37 (hg19) VCF-style: chr5-131931293-CT-C.
Other names: short protein forms S667fs.
Identifiers: ClinVar variation 2814201 (VCV002814201.3), dbSNP rs2479651705, ClinGen allele CA2739275041.

ClinVar aggregate classification (germline): Pathogenic (1 of 4 stars; one submission).

Conditions:
Hereditary cancer-predisposing syndrome. Also called: Tumor predisposition; Hereditary Cancer Syndrome; Hereditary neoplastic syndrome; Neoplastic Syndromes, Hereditary. Identifiers: Orphanet 140162, MedGen C0027672, MeSH D009386, MONDO:0015356.

Submission:

Labcorp Genetics (formerly Invitae), Labcorp
Classification: Pathogenic for Hereditary cancer-predisposing syndrome. Last evaluated: 2022-11-14. Review status: criteria provided, single submitter. Criteria: Invitae Variant Classification Sherloc (09022015). Collection method: clinical testing. Allele origin: germline.
Comment: This variant is not present in population databases (gnomAD no frequency). This sequence change creates a premature translational stop signal (p.Ser667Profs*7) in the RAD50 gene. It is expected to result in an absent or disrupted protein product. Loss-of-function variants in RAD50 are known to be pathogenic (PMID: 19409520). This variant has not been reported in the literature in individuals affected with RAD50-related conditions. For these reasons, this variant has been classified as Pathogenic.

Literature cited by the submitters: PubMed 19409520.